The following is an entry in ClinVar:

ClinVar aggregate classification (germline): Uncertain significance (1 of 4 stars; one submission).

Conditions:
Hereditary spastic paraplegia 8 (SPG8). Also called: SPASTIC PARAPLEGIA 8, AUTOSOMAL DOMINANT. Identifiers: Orphanet 100989, MedGen C1863704, MONDO:0011339, OMIM 603563.
Ritscher-Schinzel syndrome. Also called: CRANIOCEREBELLOCARDIAC DYSPLASIA. Identifiers: Orphanet 7, MedGen C0796137, MONDO:0019078.

Allele frequency attached by ClinVar (database versions not stated): gnomAD exomes below 0.00001.
gnomAD v4.1: 5 of 1,493,306 alleles (0.00033%); highest among the groups gnomAD compares: Middle Eastern, 0.017%; no homozygotes.

Submission:

Labcorp Genetics (formerly Invitae), Labcorp
Classification: Uncertain significance for Ritscher-Schinzel syndrome; Hereditary spastic paraplegia 8. Last evaluated: 2023-10-13. Review status: criteria provided, single submitter. Criteria: Invitae Variant Classification Sherloc (09022015). Collection method: clinical testing. Allele origin: germline.
Comment: This sequence change falls in intron 3 of the WASHC5 gene. It does not directly change the encoded amino acid sequence of the WASHC5 protein. It affects a nucleotide within the consensus splice site. This variant is not present in population databases (gnomAD no frequency). This variant has not been reported in the literature in individuals affected with WASHC5-related conditions. Variants that disrupt the consensus splice site are a relatively common cause of aberrant splicing (PMID: 17576681, 9536098). Algorithms developed to predict the effect of sequence changes on RNA splicing suggest that this variant is not likely to affect RNA splicing. In summary, the available evidence is currently insufficient to determine the role of this variant in disease. Therefore, it has been classified as a Variant of Uncertain Significance.

Literature cited by the submitters: PubMed 17576681; PubMed 9536098.

NM_014846.4(WASHC5):c.332+4T>C

Gene: WASHC5 (WASH complex subunit 5; minus strand). Cytogenetic location: 8q24.13.
Variant type: single nucleotide variant.
Coding change: c.332+4T>C on transcript NM_014846.4 (MANE Select); 4 bases into the intron after coding-DNA position 332, T replaced by C.
Molecular consequence: intron variant.
Genome position (GRCh38, 1-based): chr8:125,083,109, A>G on the plus strand (T>C on the coding strand, the complement: WASHC5 is on the minus strand). VCF-style: chr8-125083109-A-G. GRCh37 (hg19) VCF-style: chr8-126095351-A-G.
Other names: c.-113+4T>C (NM_001330609.2).
Identifiers: ClinVar variation 2950002 (VCV002950002.3), dbSNP rs2537390716, ClinGen allele CA2579247497.